The following is an entry in ClinVar:

NM_001943.5(DSG2):c.137G>A (p.Arg46Gln)

Gene: DSG2 (desmoglein 2; plus strand). Cytogenetic location: 18q12.1.
Variant type: single nucleotide variant.
Coding change: c.137G>A on transcript NM_001943.5 (MANE Select); coding-DNA position 137, G replaced by A.
Protein change: p.Arg46Gln; replaces arginine 46 with glutamine.
Molecular consequence: missense variant.
Genome position (GRCh38, 1-based): chr18:31,519,858, G>A. VCF-style: chr18-31519858-G-A. GRCh37 (hg19) VCF-style: chr18-29099821-G-A.
Other names: p.R46Q:CGG>CAG; c.137G>A (NM_001943.4); short protein forms R46Q.
Identifiers: ClinVar variation 16812 (VCV000016812.39), dbSNP rs121913008, ClinGen allele CA021364.

ClinVar aggregate classification (germline): Pathogenic/Likely pathogenic. Review status: criteria provided, multiple submitters, no conflicts (2 of 4 stars). 20 submissions from 20 submitters: Pathogenic (13); Likely pathogenic (2). 5 of the submissions do not count toward it. Last evaluated 2026-01-05.

Conditions:
DSG2-related disorders.
Cardiovascular phenotype. Identifiers: MedGen CN230736.
Arrhythmogenic right ventricular dysplasia 10. Also called: Arrhythmogenic Right Ventricular Dysplasia/Cardiomyopathy10; ARRHYTHMOGENIC RIGHT VENTRICULAR DYSPLASIA, FAMILIAL, 10; Arrhythmogenic right ventricular dysplasia/cardiomyopathy, type 10. Identifiers: MedGen C1857777, MONDO:0012434, OMIM 610193.
Dilated cardiomyopathy 1BB (CMD1BB). Also called: CARDIOMYOPATHY, DILATED, 1BB, SUSCEPTIBILITY TO. Identifiers: Orphanet 154, MedGen C2752072, MONDO:0013030, OMIM 612877.
Arrhythmogenic right ventricular cardiomyopathy (ARVD). Also called: Arrhythmogenic right ventricular dysplasia; Arrhythmogenic cardiomyopathy; Arrhythmogenic Right Ventricular Cardiomyopathy (ARVC); Cardiomyopathy, ARVC. Identifiers: Orphanet 247, MedGen C0349788, MeSH D019571, MONDO:0016587. Disease mechanism: loss of function. Inheritance: Various modes of inheritance.
Cardiomyopathy (CMYO). Also called: Cardiomyopathies. Identifiers: Orphanet 167848, MedGen C0878544, MONDO:0004994, HP:0001638. Inheritance: Various modes of inheritance.

Allele frequency attached by ClinVar (database versions not stated): gnomAD 0.00001; gnomAD exomes below 0.00001.
gnomAD v4.1: 6 of 1,613,972 alleles (0.00037%); highest among the groups gnomAD compares: African/African-American, 0.0013%; no homozygotes.

Submissions 1 to 6 of 20:

Labcorp Genetics (formerly Invitae), Labcorp
Classification: Pathogenic for Arrhythmogenic right ventricular dysplasia 10. Last evaluated: 2026-01-05. Review status: criteria provided, single submitter. Criteria: Invitae Variant Classification Sherloc (09022015). Collection method: clinical testing. Allele origin: germline.
Comment: This sequence change replaces arginine, which is basic and polar, with glutamine, which is neutral and polar, at codon 46 of the DSG2 protein (p.Arg46Gln). This variant is present in population databases (rs121913008, gnomAD 0.004%). This missense change has been observed in individuals with arrhythmogenic right ventricular cardiomyopathy (ARVC) (PMID: 16773573, 23381804, 30790397, 31542937). It has also been observed to segregate with disease in related individuals. This variant is also known as 134G>A (R45Q). ClinVar contains an entry for this variant (Variation ID: 16812). Invitae Evidence Modeling of protein sequence and biophysical properties (such as structural, functional, and spatial information, amino acid conservation, physicochemical variation, residue mobility, and thermodynamic stability) has been performed for this missense variant. However, the output from this modeling did not meet the statistical confidence thresholds required to predict the impact of this variant on DSG2 protein function. Experimental studies have shown that this missense change affects DSG2 function (PMID: 23071725). For these reasons, this variant has been classified as Pathogenic.

Ambry Genetics
Classification: Pathogenic for Cardiovascular phenotype. Last evaluated: 2025-07-09. Review status: criteria provided, single submitter. Criteria: Ambry Variant Classification Scheme 2023. Collection method: clinical testing. Allele origin: germline.
Comment: The p.R46Q pathogenic mutation (also known as c.137G>A), located in coding exon 3 of the DSG2 gene, results from a G to A substitution at nucleotide position 137. The arginine at codon 46 is replaced by glutamine, an amino acid with highly similar properties. This variant (also referred to as p.R45Q, c.134G>A) was identified in one or more individuals with features consistent with arrhythmogenic right ventricular cardiomyopathy (ARVC) and segregated with disease in at least one family (Awad MM et al. Am J Hum Genet, 2006 Jul;79:136-42; Bhuiyan ZA et al. Circ Cardiovasc Genet, 2009 Oct;2:418-27; Rasmussen TB et al. Hum Mutat, 2013 May;34:697-705; Broendberg AK et al. Eur J Hum Genet, 2018 03;26:303-313; Kerkar A et al. Circ Genom Precis Med, 2019 10;12:452-454). This alteration is located in a highly conserved recognition motif (RQKR) for the endoproteolytic cleavage of an NH2-terminal propeptide sequence, required for activation of the desmoglein protein (Posthaus H et al. FEBS Lett, 2003 Feb;536:203-8). Studies have suggested disruption of this site may prevent proper post-translational processing, and have demonstrated the immature protein may still localize and incorporate into desmosomal junctions, although the physiological relevance of these findings is not yet clear (Awad MM et al. Am J Hum Genet, 2006 Jul;79:136-42; Gaertner A et al. PLoS One, 2012 Oct;7:e47097; Rasmussen 2013 Hum Mutat 2013 May;34(5):697-705; Vite A et al. Europace, 2020 02;22:320-329). This amino acid position is highly conserved in available vertebrate species. In addition, this alteration is predicted to be deleterious by in silico analysis. Based on the supporting evidence, this alteration is interpreted as a disease-causing mutation.

All of Us Research Program, National Institutes of Health
Classification: Pathogenic for Arrhythmogenic right ventricular cardiomyopathy. Last evaluated: 2024-06-09. Review status: criteria provided, single submitter. Criteria: ACMG Guidelines, 2015. Collection method: clinical testing. Allele origin: germline. Inheritance: Autosomal dominant inheritance. Observed: 2 variant alleles, 2 heterozygotes.
Comment: This missense variant replaces arginine with glutamine at codon 46 in the propeptide sequence domain of the DSG2 protein. Computational prediction is inconclusive regarding the impact of this variant on protein structure and function (internally defined REVEL score threshold 0.5 < inconclusive < 0.7, PMID: 27666373). Studies with tissue samples from carrier individuals and transfected cell lines have shown that this variant prevents the cleavage of the N-terminal propeptide that is required for normal protein maturation (PMID: 23071725, 23381804, 31845994). This variant has been reported in over ten unrelated individuals affected with arrhythmogenic cardiomyopathy (PMID: 23381804, 30790397, 31542937, 31386562, 32268277, 33821670, 23381804, 31542937). It has been shown that this variant segregates with disease in at least six families (PMID: 23381804, 31542937). This variant has been identified in 1/280866 chromosomes in the general population by the Genome Aggregation Database (gnomAD). Based on the available evidence, this variant is classified as Pathogenic.

This study involves interpretation of variants in research participants for the purpose of population health screening. Participant phenotype was not available at the time of variant classification. Additional details can be found in publication PMID: 35346344, PMCID: PMC8962531

Color Diagnostics, LLC DBA Color Health
Classification: Pathogenic for Cardiomyopathy. Last evaluated: 2024-03-26. Review status: criteria provided, single submitter. Criteria: ACMG Guidelines, 2015. Collection method: clinical testing. Allele origin: germline.
Comment: This missense variant replaces arginine with glutamine at codon 46 in the propeptide sequence domain of the DSG2 protein. Computational prediction is inconclusive regarding the impact of this variant on protein structure and function. Studies with tissue samples from carrier individuals and in vitro functional studies have shown that this variant interferes with the cleavage of the N-terminal propeptide that is required for normal protein maturation (PMID: 23071725, 23381804, 31845994). This variant has been reported in over ten unrelated individuals affected with arrhythmogenic cardiomyopathy (PMID: 23381804, 30790397, 31542937, 31386562, 32268277, 33821670, 23381804, 31542937). It has been shown that this variant segregates with disease in at least six families (PMID: 23381804, 31542937). This variant has been identified in 1/280866 chromosomes in the general population by the Genome Aggregation Database (gnomAD). Based on the available evidence, this variant is classified as Pathogenic.

Genetics and Molecular Pathology, SA Pathology
Classification: Pathogenic for Arrhythmogenic right ventricular dysplasia 10. Last evaluated: 2022-03-09. Review status: criteria provided, single submitter. Criteria: ACMG Guidelines, 2015. Collection method: clinical testing. Allele origin: germline. Inheritance: Autosomal dominant inheritance. Affected: yes.

Department of Human Genetics, Hannover Medical School
Classification: Pathogenic for Arrhythmogenic right ventricular dysplasia 10. Last evaluated: 2022-02-08. Review status: criteria provided, single submitter. Criteria: ACMG Guidelines, 2015. Collection method: clinical testing. Allele origin: germline. Inheritance: Autosomal dominant inheritance. Affected: yes.